The following is an entry in ClinVar:

ClinVar aggregate classification (germline): Uncertain significance (1 of 4 stars; one submission).

Conditions:
Idiopathic generalized epilepsy. Also called: EIG; Generalised epilepsy. Identifiers: MedGen C0270850, MONDO:0005579, OMIM 600669.
Hyperaldosteronism, familial, type IV (HALD4). Also called: FH IV; ALDOSTERONISM, PRIMARY, AND HYPERTENSION. Identifiers: Orphanet 642671, MedGen C4310756, MONDO:0014875, OMIM 617027.

Submission:

Labcorp Genetics (formerly Invitae), Labcorp
Classification: Uncertain significance for Idiopathic generalized epilepsy; Hyperaldosteronism, familial, type IV. Last evaluated: 2022-06-12. Review status: criteria provided, single submitter. Criteria: Invitae Variant Classification Sherloc (09022015). Collection method: clinical testing. Allele origin: germline.
Comment: This sequence change replaces serine, which is neutral and polar, with tyrosine, which is neutral and polar, at codon 2222 of the CACNA1H protein (p.Ser2222Tyr). In summary, the available evidence is currently insufficient to determine the role of this variant in disease. Therefore, it has been classified as a Variant of Uncertain Significance. Advanced modeling of protein sequence and biophysical properties (such as structural, functional, and spatial information, amino acid conservation, physicochemical variation, residue mobility, and thermodynamic stability) performed at Invitae indicates that this missense variant is not expected to disrupt CACNA1H protein function. This variant has not been reported in the literature in individuals affected with CACNA1H-related conditions. This variant is not present in population databases (gnomAD no frequency).

NM_021098.3(CACNA1H):c.6665C>A (p.Ser2222Tyr)

Gene: CACNA1H (calcium voltage-gated channel subunit alpha1 H; plus strand). Cytogenetic location: 16p13.3.
Variant type: single nucleotide variant.
Coding change: c.6665C>A on transcript NM_021098.3 (MANE Select); coding-DNA position 6665, C replaced by A.
Protein change: p.Ser2222Tyr; replaces serine 2222 with tyrosine.
Molecular consequence: missense variant.
Genome position (GRCh38, 1-based): chr16:1,220,597, C>A. VCF-style: chr16-1220597-C-A. GRCh37 (hg19) VCF-style: chr16-1270597-C-A.
Other names: c.6647C>A, p.Ser2216Tyr (NM_001005407.2); short protein forms S2216Y, S2222Y.
Identifiers: ClinVar variation 2089552 (VCV002089552.4), dbSNP rs2548738762, ClinGen allele CA394150159.